The following is an entry in ClinVar:

NM_020987.5(ANK3):c.9856C>G (p.Leu3286Val)

Gene: ANK3 (ankyrin 3; minus strand). Cytogenetic location: 10q21.2.
Variant type: single nucleotide variant.
Coding change: c.9856C>G on transcript NM_020987.5 (MANE Select); coding-DNA position 9856, C replaced by G.
Protein change: p.Leu3286Val; replaces leucine 3286 with valine.
Molecular consequence: missense variant. On other transcripts: intron variant (4).
Genome position (GRCh38, 1-based): chr10:60,071,025, G>C on the plus strand (C>G on the coding strand, the complement: ANK3 is on the minus strand). VCF-style: chr10-60071025-G-C. GRCh37 (hg19) VCF-style: chr10-61830783-G-C.
Other names: c.4388-3016C>G (NM_001204403.2); c.4409-3016C>G (NM_001204404.2); c.4406-3016C>G (NM_001320874.2); c.1808-3016C>G (NM_001149.4); short protein forms L3286V.
Identifiers: ClinVar variation 3371842 (VCV003371842.1).

ClinVar aggregate classification (germline): Uncertain significance (1 of 4 stars; one submission).

Submission:

GeneDx
Classification: Uncertain significance. Last evaluated: 2024-04-01. Review status: criteria provided, single submitter. Criteria: GeneDx Variant Classification Process June 2021. Collection method: clinical testing. Allele origin: germline. Affected: yes.
Comment: Not observed at significant frequency in large population cohorts (gnomAD); In silico analysis supports that this missense variant does not alter protein structure/function; Has not been previously published as pathogenic or benign to our knowledge